The following is an entry in ClinVar:

NM_000091.5(COL4A3):c.4307G>A (p.Gly1436Glu)

Genes: COL4A3 (collagen type IV alpha 3 chain; plus strand), MFF-DT (MFF divergent transcript; minus strand). Cytogenetic location: 2q36.3.
Variant type: single nucleotide variant.
Coding change: c.4307G>A on transcript NM_000091.5 (MANE Select); coding-DNA position 4307, G replaced by A.
Protein change: p.Gly1436Glu; replaces glycine 1436 with glutamic acid.
Molecular consequence: missense variant.
Genome position (GRCh38, 1-based): chr2:227,307,764, G>A. VCF-style: chr2-227307764-G-A. GRCh37 (hg19) VCF-style: chr2-228172480-G-A.
Other names: short protein forms G1436E.
Identifiers: ClinVar variation 2581768 (VCV002581768.1), dbSNP rs1213637962, ClinGen allele CA350864218.
Genomic context (GRCh38, chr2:227,307,764, plus strand): 5'-TTGAAGGACCAGCTGGATCAGATGGATTGCCAGGTTTGAAAGGAAAACGTGGAGACAGTG[G>A]ATCACCTGCAACCTGGACAACGAGAGGCTTTGTCTTCACCCGACACAGTCAAACCACAGC-3'
Protein context (NP_000082.2, residues 1426-1446): PGLKGKRGDS[Gly1436Glu]SPATWTTRGF

ClinVar aggregate classification (germline): Likely pathogenic (1 of 4 stars; one submission).

Submission:

GeneDx
Classification: Likely pathogenic. Last evaluated: 2023-09-08. Review status: criteria provided, single submitter. Criteria: GeneDx Variant Classification Process June 2021. Collection method: clinical testing. Allele origin: germline. Affected: yes.
Comment: Affects a glycine residue in a Gly-X-Y motif in the triple helical region of the COL4A3 gene, where the majority of pathogenic missense variants occur, and is predicted to disrupt normal protein folding and function (HGMD; Jais et al., 2000); Not observed at significant frequency in large population cohorts (gnomAD); In silico analysis supports that this missense variant has a deleterious effect on protein structure/function; Has not been previously published as pathogenic or benign to our knowledge